The following is an entry in ClinVar:

NM_000037.4(ANK1):c.3386G>T (p.Ser1129Ile)

Gene: ANK1 (ankyrin 1; minus strand). Cytogenetic location: 8p11.21.
Variant type: single nucleotide variant.
Coding change: c.3386G>T on transcript NM_000037.4 (MANE Select); coding-DNA position 3386, G replaced by T.
Protein change: p.Ser1129Ile; replaces serine 1129 with isoleucine.
Molecular consequence: missense variant.
Genome position (GRCh38, 1-based): chr8:41,694,044, C>A on the plus strand (G>T on the coding strand, the complement: ANK1 is on the minus strand). VCF-style: chr8-41694044-C-A. GRCh37 (hg19) VCF-style: chr8-41551562-C-A.
Other names: c.3509G>T, p.Ser1170Ile (NM_001142446.2); c.3386G>T, p.Ser1129Ile (NM_020475.3, NM_020476.3, NM_020477.3); short protein forms S1129I, S1170I.
Identifiers: ClinVar variation 1163882 (VCV001163882.7), dbSNP rs2150592257, ClinGen allele CA371059582.

ClinVar aggregate classification (germline): Conflicting classifications of pathogenicity. Review status: criteria provided, conflicting classifications (1 of 4 stars). 2 submissions from 2 submitters: Likely pathogenic (1); Uncertain significance (1). Last evaluated 2023-02-21.

Conditions:
Hereditary spherocytosis type 1. Also called: Spherocytosis type 1; ANK1-Related Spherocytosis. Identifiers: Orphanet 822, MedGen C2674218, MONDO:0008447, OMIM 182900.

Submissions (2):

Revvity Omics, Revvity
Classification: Uncertain significance for Hereditary spherocytosis type 1. Last evaluated: 2023-02-21. Review status: criteria provided, single submitter. Criteria: ACMG Guidelines, 2015. Collection method: clinical testing. Allele origin: germline.

Mayo Clinic Laboratories, Mayo Clinic
Classification: Likely pathogenic. Last evaluated: 2020-02-01. Review status: criteria provided, single submitter. Criteria: ACMG Guidelines, 2015. Collection method: clinical testing. Allele origin: germline. Observed: 1 variant allele.
Comment: PM2, PP3, PP2, PP1